The following is an entry in ClinVar:

ClinVar aggregate classification (germline): Uncertain significance. Review status: criteria provided, multiple submitters, no conflicts (2 of 4 stars). 2 submissions from 2 submitters: Uncertain significance (2). Last evaluated 2026-04-13.

Conditions:
BLVRA-related disorder. Also called: BLVRA-related condition.

Allele frequency attached by ClinVar (database versions not stated): ExAC 0.00002; TOPMed 0.00002; gnomAD 0.00003; gnomAD exomes 0.00009.
gnomAD v4.1: 133 of 1,614,060 alleles (0.0082%); highest among the groups gnomAD compares: Non-Finnish European, 0.01%; no homozygotes.

Submissions (2):

PreventionGenetics, part of Exact Sciences
Classification: Uncertain significance for BLVRA-related condition. Last evaluated: 2026-04-13. Review status: criteria provided, single submitter. Criteria: ACMG Guidelines, 2015. Collection method: clinical testing. Allele origin: germline.
Comment: The BLVRA c.527T>C variant is predicted to result in the amino acid substitution p.Leu176Pro. To our knowledge, this variant has not been reported in the literature. This variant is reported in 0.0054% of alleles in individuals of European (Non-Finnish) descent in gnomAD. At this time, the clinical significance of this variant is uncertain due to the absence of conclusive functional and genetic evidence.

Ambry Genetics
Classification: Uncertain significance. Last evaluated: 2024-05-14. Review status: criteria provided, single submitter. Criteria: Ambry Variant Classification Scheme 2023. Collection method: clinical testing. Allele origin: germline.

NM_000712.4(BLVRA):c.527T>C (p.Leu176Pro)

Gene: BLVRA (biliverdin reductase A; plus strand). Cytogenetic location: 7p13.
Variant type: single nucleotide variant.
Coding change: c.527T>C on transcript NM_000712.4 (MANE Select); coding-DNA position 527, T replaced by C.
Protein change: p.Leu176Pro; replaces leucine 176 with proline.
Molecular consequence: missense variant.
Genome position (GRCh38, 1-based): chr7:43,803,742, T>C. VCF-style: chr7-43803742-T-C. GRCh37 (hg19) VCF-style: chr7-43843341-T-C.
Other names: c.527T>C, p.Leu176Pro (NM_001253823.2); short protein forms L176P.
Identifiers: ClinVar variation 2210182 (VCV002210182.4), dbSNP rs767396103, ClinGen allele CA4234136.